The following is an entry in ClinVar:

NM_001199138.2(NLRC4):c.3025G>T (p.Asp1009Tyr)

Gene: NLRC4 (NLR family CARD domain containing 4; minus strand). Cytogenetic location: 2p22.3.
Variant type: single nucleotide variant.
Coding change: c.3025G>T on transcript NM_001199138.2 (MANE Select); coding-DNA position 3025, G replaced by T.
Protein change: p.Asp1009Tyr; replaces aspartic acid 1009 with tyrosine.
Molecular consequence: missense variant.
Genome position (GRCh38, 1-based): chr2:32,224,523, C>A on the plus strand (G>T on the coding strand, the complement: NLRC4 is on the minus strand). VCF-style: chr2-32224523-C-A. GRCh37 (hg19) VCF-style: chr2-32449592-C-A.
Other names: c.3025G>T, p.Asp1009Tyr (NM_001199139.2, NM_021209.5); c.1030G>T, p.Asp344Tyr (NM_001302504.2); short protein forms D1009Y, D344Y.
Identifiers: ClinVar variation 1481766 (VCV001481766.9), dbSNP rs374967155, ClinGen allele CA1601631.

ClinVar aggregate classification (germline): Uncertain significance. Review status: criteria provided, multiple submitters, no conflicts (2 of 4 stars). 2 submissions from 2 submitters: Uncertain significance (2). Last evaluated 2025-11-15.

Conditions:
Familial cold autoinflammatory syndrome 4 (FCAS4). Identifiers: Orphanet 47045, Orphanet 576349, MedGen C4015276, MONDO:0014498, OMIM 616115.
Periodic fever-infantile enterocolitis-autoinflammatory syndrome. Also called: Autoinflammation with infantile enterocolitis. Identifiers: Orphanet 436166, MedGen C4015067, MONDO:0014472, OMIM 616050.
Inborn genetic diseases. Identifiers: MedGen C0950123, MeSH D030342.

Allele frequency attached by ClinVar (database versions not stated): ExAC 0.00001; gnomAD 0.00004 and 0.00005; TOPMed 0.00006; gnomAD exomes 0.00007; ESP Exome Variant Server 0.00008.

Submissions (2):

Labcorp Genetics (formerly Invitae), Labcorp
Classification: Uncertain significance for Periodic fever-infantile enterocolitis-autoinflammatory syndrome; Familial cold autoinflammatory syndrome 4. Last evaluated: 2025-11-15. Review status: criteria provided, single submitter. Criteria: Invitae Variant Classification Sherloc (09022015). Collection method: clinical testing. Allele origin: germline.
Comment: This sequence change replaces aspartic acid, which is acidic and polar, with tyrosine, which is neutral and polar, at codon 1009 of the NLRC4 protein (p.Asp1009Tyr). This variant is present in population databases (rs374967155, gnomAD 0.002%). This variant has not been reported in the literature in individuals affected with NLRC4-related conditions. ClinVar contains an entry for this variant (Variation ID: 1481766). Invitae Evidence Modeling of protein sequence and biophysical properties (such as structural, functional, and spatial information, amino acid conservation, physicochemical variation, residue mobility, and thermodynamic stability) indicates that this missense variant is not expected to disrupt NLRC4 protein function with a negative predictive value of 80%. In summary, the available evidence is currently insufficient to determine the role of this variant in disease. Therefore, it has been classified as a Variant of Uncertain Significance.

Ambry Genetics
Classification: Uncertain significance for Inborn genetic diseases. Last evaluated: 2025-06-22. Review status: criteria provided, single submitter. Criteria: Ambry Variant Classification Scheme 2023. Collection method: clinical testing. Allele origin: germline.